The following is an entry in ClinVar:

ClinVar aggregate classification (germline): Uncertain significance. Review status: criteria provided, multiple submitters, no conflicts (2 of 4 stars). 2 submissions from 2 submitters: Uncertain significance (2). Last evaluated 2026-02-26.

Conditions:
Hypogonadotropic hypogonadism 1 with or without anosmia (HH1). Also called: Kallmann syndrome, type 1, X-linked; DYSPLASIA OLFACTOGENITALIS OF DE MORSIER; HYPOGONADOTROPIC HYPOGONADISM 1 WITH ANOSMIA; HYPOGONADOTROPIC HYPOGONADISM AND ANOSMIA; KAL1-Related GnRH Deficiency (Kallmann Syndrome 1; Kallmann Syndrome, X-Linked); Hypogonadotropic hypogonadism 1 with or without anosmia (Kallmann syndrome 1). Identifiers: Orphanet 478, MedGen C1563719, MONDO:0010635, OMIM 308700. Disease mechanism: loss of function.
Inborn genetic diseases. Identifiers: MedGen C0950123, MeSH D030342.

Allele frequency attached by ClinVar (database versions not stated): gnomAD 0.00001; gnomAD exomes below 0.00001.
gnomAD v4.1: 4 of 1,204,145 alleles (0.00033%); highest among the groups gnomAD compares: African/African-American, 0.0018%; no homozygotes.

Submissions (2):

Ambry Genetics
Classification: Uncertain significance for Inborn genetic diseases. Last evaluated: 2026-02-26. Review status: criteria provided, single submitter. Criteria: Ambry Variant Classification Scheme 2023. Collection method: clinical testing. Allele origin: germline.

Labcorp Genetics (formerly Invitae), Labcorp
Classification: Uncertain significance for Hypogonadotropic hypogonadism 1 with or without anosmia. Last evaluated: 2024-12-09. Review status: criteria provided, single submitter. Criteria: Invitae Variant Classification Sherloc (09022015). Collection method: clinical testing. Allele origin: germline.
Comment: This sequence change replaces glutamine, which is neutral and polar, with lysine, which is basic and polar, at codon 415 of the ANOS1 protein (p.Gln415Lys). The frequency data for this variant in the population databases is considered unreliable, as metrics indicate poor data quality at this position in the gnomAD database. This variant has not been reported in the literature in individuals affected with ANOS1-related conditions. ClinVar contains an entry for this variant (Variation ID: 1971035). Invitae Evidence Modeling of protein sequence and biophysical properties (such as structural, functional, and spatial information, amino acid conservation, physicochemical variation, residue mobility, and thermodynamic stability) indicates that this missense variant is not expected to disrupt ANOS1 protein function with a negative predictive value of 80%. In summary, the available evidence is currently insufficient to determine the role of this variant in disease. Therefore, it has been classified as a Variant of Uncertain Significance.

NM_000216.4(ANOS1):c.1243C>A (p.Gln415Lys)

Gene: ANOS1 (anosmin 1; minus strand). Cytogenetic location: Xp22.31.
Variant type: single nucleotide variant.
Coding change: c.1243C>A on transcript NM_000216.4 (MANE Select); coding-DNA position 1243, C replaced by A.
Protein change: p.Gln415Lys; replaces glutamine 415 with lysine.
Molecular consequence: missense variant.
Genome position (GRCh38, 1-based): chrX:8,554,063, G>T on the plus strand (C>A on the coding strand, the complement: ANOS1 is on the minus strand). VCF-style: chrX-8554063-G-T. GRCh37 (hg19) VCF-style: chrX-8522104-G-T.
Other names: c.1243C>A (NM_000216.2); short protein forms Q415K.
Identifiers: ClinVar variation 1971035 (VCV001971035.6), dbSNP rs1286191530, ClinGen allele CA411992647.